The following is an entry in ClinVar:

NM_001018111.3(PODXL):c.129C>A (p.Asn43Lys)

Gene: PODXL (podocalyxin like; minus strand). Cytogenetic location: 7q32.3.
Variant type: single nucleotide variant.
Coding change: c.129C>A on transcript NM_001018111.3 (MANE Select); coding-DNA position 129, C replaced by A.
Protein change: p.Asn43Lys; replaces asparagine 43 with lysine.
Molecular consequence: missense variant.
Genome position (GRCh38, 1-based): chr7:131,511,405, G>T on the plus strand (C>A on the coding strand, the complement: PODXL is on the minus strand). VCF-style: chr7-131511405-G-T. GRCh37 (hg19) VCF-style: chr7-131196164-G-T.
Other names: c.129C>A, p.Asn43Lys (NM_005397.4); short protein forms N43K.
Identifiers: ClinVar variation 3698406 (VCV003698406.2).

ClinVar aggregate classification (germline): Uncertain significance (1 of 4 stars; one submission).

gnomAD v4.1: 6 of 1,602,162 alleles (0.00037%); highest among the groups gnomAD compares: Non-Finnish European, 0.00051%; no homozygotes.

Submission:

Labcorp Genetics (formerly Invitae), Labcorp
Classification: Uncertain significance. Last evaluated: 2024-12-27. Review status: criteria provided, single submitter. Criteria: Invitae Variant Classification Sherloc (09022015). Collection method: clinical testing. Allele origin: germline.
Comment: This sequence change replaces asparagine, which is neutral and polar, with lysine, which is basic and polar, at codon 43 of the PODXL protein (p.Asn43Lys). This variant is present in population databases (rs79508494, gnomAD 0.002%). This variant has not been reported in the literature in individuals affected with PODXL-related conditions. An algorithm developed to predict the effect of missense changes on protein structure and function (PolyPhen-2) suggests that this variant is likely to be tolerated. In summary, the available evidence is currently insufficient to determine the role of this variant in disease. Therefore, it has been classified as a Variant of Uncertain Significance.